The following is an entry in ClinVar:

NM_005618.4(DLL1):c.1316A>G (p.His439Arg)

Gene: DLL1 (delta like canonical Notch ligand 1; minus strand). Cytogenetic location: 6q27.
Variant type: single nucleotide variant.
Coding change: c.1316A>G on transcript NM_005618.4 (MANE Select); coding-DNA position 1316, A replaced by G.
Protein change: p.His439Arg; replaces histidine 439 with arginine.
Molecular consequence: missense variant.
Genome position (GRCh38, 1-based): chr6:170,283,963, T>C on the plus strand (A>G on the coding strand, the complement: DLL1 is on the minus strand). VCF-style: chr6-170283963-T-C. GRCh37 (hg19) VCF-style: chr6-170593051-T-C.
Other names: short protein forms H439R.
Identifiers: ClinVar variation 2865483 (VCV002865483.3), dbSNP rs1364023005, ClinGen allele CA366507530.

ClinVar aggregate classification (germline): Uncertain significance (1 of 4 stars; one submission).

Submission:

Labcorp Genetics (formerly Invitae), Labcorp
Classification: Uncertain significance. Last evaluated: 2023-09-28. Review status: criteria provided, single submitter. Criteria: Invitae Variant Classification Sherloc (09022015). Collection method: clinical testing. Allele origin: germline.
Comment: In summary, the available evidence is currently insufficient to determine the role of this variant in disease. Therefore, it has been classified as a Variant of Uncertain Significance. This sequence change replaces histidine, which is basic and polar, with arginine, which is basic and polar, at codon 439 of the DLL1 protein (p.His439Arg). Algorithms developed to predict the effect of missense changes on protein structure and function output the following: SIFT: "Not Available"; PolyPhen-2: "Benign"; Align-GVGD: "Not Available". The arginine amino acid residue is found in multiple mammalian species, which suggests that this missense change does not adversely affect protein function. This variant is not present in population databases (gnomAD no frequency). This variant has not been reported in the literature in individuals affected with DLL1-related conditions.